The following is an entry in ClinVar:

ClinVar aggregate classification (germline): Uncertain significance (1 of 4 stars; one submission).

gnomAD v4.1: 1 of 1,611,836 alleles (0.000062%); highest among the groups gnomAD compares: East Asian, 0.0022%; no homozygotes.

Submission:

GeneDx
Classification: Uncertain significance. Last evaluated: 2024-01-04. Review status: criteria provided, single submitter. Criteria: GeneDx Variant Classification Process June 2021. Collection method: clinical testing. Allele origin: germline. Affected: yes.
Comment: Not observed at significant frequency in large population cohorts (gnomAD); In silico analysis supports that this missense variant does not alter protein structure/function; Has not been previously published as pathogenic or benign to our knowledge

NM_018444.4(PDP1):c.1606C>G (p.Gln536Glu)

Gene: PDP1 (pyruvate dehydrogenase phosphatase catalytic subunit 1; plus strand). Cytogenetic location: 8q22.1.
Variant type: single nucleotide variant.
Coding change: c.1606C>G on transcript NM_018444.4 (MANE Select); coding-DNA position 1606, C replaced by G.
Protein change: p.Gln536Glu; replaces glutamine 536 with glutamic acid.
Molecular consequence: missense variant.
Genome position (GRCh38, 1-based): chr8:93,923,665, C>G. VCF-style: chr8-93923665-C-G. GRCh37 (hg19) VCF-style: chr8-94935893-C-G.
Other names: c.1681C>G, p.Gln561Glu (NM_001161779.2, NM_001161780.2); c.1606C>G, p.Gln536Glu (NM_001161781.2); short protein forms Q536E, Q561E.
Identifiers: ClinVar variation 3370075 (VCV003370075.1).